The following is an entry in ClinVar:

ClinVar aggregate classification (germline): Conflicting classifications of pathogenicity. Review status: criteria provided, conflicting classifications (1 of 4 stars). 6 submissions from 6 submitters: Likely pathogenic (2); Uncertain significance (4). Last evaluated 2026-05-04.

Conditions:
Autosomal dominant nonsyndromic hearing loss 4A. Also called: Deafness, autosomal dominant 4A. Identifiers: Orphanet 90635, MedGen C1833503, MONDO:0010915, OMIM 600652.

Allele frequency attached by ClinVar (database versions not stated): gnomAD exomes below 0.00001 and 0.00001; gnomAD 0.00001; TOPMed 0.00002.

Submissions (6):

Women's Health and Genetics/Laboratory Corporation of America, LabCorp
Classification: Uncertain significance. Last evaluated: 2026-05-04. Review status: criteria provided, single submitter. Criteria: LabCorp Variant Classification Summary - May 2015. Collection method: clinical testing. Allele origin: germline.
Comment: Variant summary: MYH14 c.2848G>A (p.Glu950Lys) results in a conservative amino acid change in the encoded protein sequence. Algorithms developed to predict the effect of missense changes on protein structure and function are either unavailable or do not agree on the potential impact of this missense change. The variant allele was found at a frequency of 1.5e-05 in 204462 control chromosomes (gnomAD). The available data on variant occurrences in the general population are insufficient to allow any conclusion about variant significance. c.2848G>A has been observed in one individual affected with hearing impairment (Truong_2019). The report does not provide unequivocal conclusions about association of the variant with Autosomal dominant nonsyndromic hearing loss 4A. To our knowledge, no experimental evidence demonstrating an impact on protein function has been reported. The following publication have been ascertained in the context of this evaluation (PMID: 30828794). ClinVar contains an entry for this variant (Variation ID: 626217). Based on the evidence outlined above, the variant was classified as uncertain significance.

Labcorp Genetics (formerly Invitae), Labcorp
Classification: Uncertain significance. Last evaluated: 2025-08-17. Review status: criteria provided, single submitter. Criteria: Invitae Variant Classification Sherloc (09022015). Collection method: clinical testing. Allele origin: germline.
Comment: This sequence change replaces glutamic acid, which is acidic and polar, with lysine, which is basic and polar, at codon 950 of the MYH14 protein (p.Glu950Lys). The frequency data for this variant in the population databases is considered unreliable, as metrics indicate poor data quality at this position in the gnomAD database. This missense change has been observed in individual(s) with clinical features of MYH14-related conditions (PMID: 30828794). This variant is also known as c.2971G>A (p.Glu991Lys). ClinVar contains an entry for this variant (Variation ID: 626217). Invitae Evidence Modeling of protein sequence and biophysical properties (such as structural, functional, and spatial information, amino acid conservation, physicochemical variation, residue mobility, and thermodynamic stability) indicates that this missense variant is expected to disrupt MYH14 protein function with a positive predictive value of 80%. In summary, the available evidence is currently insufficient to determine the role of this variant in disease. Therefore, it has been classified as a Variant of Uncertain Significance.

Genomic Medicine Center of Excellence, King Faisal Specialist Hospital and Research Centre
Classification: Likely pathogenic for Autosomal dominant nonsyndromic hearing loss 4A. Last evaluated: 2024-12-18. Review status: criteria provided, single submitter. Criteria: ACMG Guidelines, 2015. Collection method: clinical testing. Allele origin: germline.

Blueprint Genetics
Classification: Uncertain significance. Last evaluated: 2024-11-27. Review status: criteria provided, single submitter. Criteria: ACMG Guidelines, 2015. Collection method: clinical testing. Allele origin: germline.

GeneDx
Classification: Uncertain significance. Last evaluated: 2023-05-10. Review status: criteria provided, single submitter. Criteria: GeneDx Variant Classification Process June 2021. Collection method: clinical testing. Allele origin: germline. Affected: yes.
Comment: Identified in a patient with congenital bilateral profound sensorineural hearing loss in published literature (Truong et al., 2019); In silico analysis supports that this missense variant has a deleterious effect on protein structure/function; This variant is associated with the following publications: (PMID: 30828794)

Santos-Cortez Lab, University of Colorado School of Medicine
Classification: Likely pathogenic for Autosomal dominant nonsyndromic hearing loss 4A. Last evaluated: 2019-01-17. Review status: criteria provided, single submitter. Criteria: Submitter's publication. Collection method: research. Allele origin: germline. Inheritance: Autosomal dominant inheritance. Affected: yes.

Literature cited by the submitters: PubMed 30828794 (cited by Women's Health and Genetics/Laboratory Corporation of America, LabCorp and Labcorp Genetics (formerly Invitae), Labcorp).

NM_001145809.2(MYH14):c.2971G>A (p.Glu991Lys)

Gene: MYH14 (myosin heavy chain 14; plus strand). Cytogenetic location: 19q13.33.
Variant type: single nucleotide variant.
Coding change: c.2971G>A on transcript NM_001145809.2 (MANE Select); coding-DNA position 2971, G replaced by A.
Protein change: p.Glu991Lys; replaces glutamic acid 991 with lysine.
Molecular consequence: missense variant.
Genome position (GRCh38, 1-based): chr19:50,268,305, G>A. VCF-style: chr19-50268305-G-A. GRCh37 (hg19) VCF-style: chr19-50771562-G-A.
Other names: c.2872G>A, p.Glu958Lys (NM_001077186.2); c.2848G>A, p.Glu950Lys (NM_024729.4); short protein forms E991K, E958K, E950K.
Identifiers: ClinVar variation 626217 (VCV000626217.13), dbSNP rs367588704, ClinGen allele CA309561876.
Genomic context (GRCh38, chr19:50,268,305, plus strand): 5'-CTGGCAGCCCGCAAGCAGGAGCTGGAGCTGGTGGTGTCAGAGCTGGAGGCTCGCGTGGGC[G>A]AGGAGGAGGAGTGCAGCCGTCAAATGCAAACCGAGAAGAAGAGGCTGCAGCAGCACATAC-3'
Protein context (NP_001139281.1, residues 981-1001): VVSELEARVG[Glu991Lys]EEECSRQMQT